The following is an entry in ClinVar:

ClinVar aggregate classification (germline): Uncertain significance. Review status: criteria provided, multiple submitters, no conflicts (2 of 4 stars). 2 submissions from 2 submitters: Uncertain significance (2). Last evaluated 2024-03-04.

Conditions:
Inborn genetic diseases. Identifiers: MedGen C0950123, MeSH D030342.

Allele frequency attached by ClinVar (database versions not stated): gnomAD 0.00002; gnomAD exomes 0.00002; TOPMed 0.00005; ExAC 0.00007.

Submissions (2):

Ambry Genetics
Classification: Uncertain significance for Inborn genetic diseases. Last evaluated: 2024-03-04. Review status: criteria provided, single submitter. Criteria: Ambry Variant Classification Scheme 2023. Collection method: clinical testing. Allele origin: germline.

Labcorp Genetics (formerly Invitae), Labcorp
Classification: Uncertain significance. Last evaluated: 2022-06-19. Review status: criteria provided, single submitter. Criteria: Invitae Variant Classification Sherloc (09022015). Collection method: clinical testing. Allele origin: germline.
Comment: In summary, the available evidence is currently insufficient to determine the role of this variant in disease. Therefore, it has been classified as a Variant of Uncertain Significance. Algorithms developed to predict the effect of missense changes on protein structure and function output the following: SIFT: "Tolerated"; PolyPhen-2: "Benign"; Align-GVGD: "Class C0". The threonine amino acid residue is found in multiple mammalian species, which suggests that this missense change does not adversely affect protein function. This variant has not been reported in the literature in individuals affected with STN1-related conditions. This variant is present in population databases (rs751941982, gnomAD 0.1%). This sequence change replaces alanine, which is neutral and non-polar, with threonine, which is neutral and polar, at codon 262 of the STN1 protein (p.Ala262Thr).

NM_024928.5(STN1):c.784G>A (p.Ala262Thr)

Gene: STN1 (STN1 subunit of CST complex; minus strand). Cytogenetic location: 10q24.33.
Variant type: single nucleotide variant.
Coding change: c.784G>A on transcript NM_024928.5 (MANE Select); coding-DNA position 784, G replaced by A.
Protein change: p.Ala262Thr; replaces alanine 262 with threonine.
Molecular consequence: missense variant.
Genome position (GRCh38, 1-based): chr10:103,892,222, C>T on the plus strand (G>A on the coding strand, the complement: STN1 is on the minus strand). VCF-style: chr10-103892222-C-T. GRCh37 (hg19) VCF-style: chr10-105651980-C-T.
Other names: c.784G>A (NM_024928.4); short protein forms A262T.
Identifiers: ClinVar variation 1913153 (VCV001913153.4), dbSNP rs751941982, ClinGen allele CA5676504.
Genomic context (GRCh38, chr10:103,892,222, plus strand): 5'-GGAAAACAAGTCCTTTTTCCTGCAGCAGTTGTATAGCATTCTTAAATATACTATGAATTG[C>T]CTTGGAAGTGGTGTCCTTCTTAAAATTCACCTGTAAAGAGAGGAAAAAGAAAAAAGAAAA-3'
Protein context (NP_079204.2, residues 252-272): VNFKKDTTSK[Ala262Thr]IHSIFKNAIQ